The following is an entry in ClinVar:

NM_139343.3(BIN1):c.30G>A (p.Thr10=)

Gene: BIN1 (bridging integrator 1; minus strand). Cytogenetic location: 2q14.3.
Variant type: single nucleotide variant.
Coding change: c.30G>A on transcript NM_139343.3 (MANE Select); coding-DNA position 30, G replaced by A.
Protein change: p.Thr10=; no amino-acid change (threonine 10 retained).
Molecular consequence: synonymous variant.
Genome position (GRCh38, 1-based): chr2:127,106,914, C>T on the plus strand (G>A on the coding strand, the complement: BIN1 is on the minus strand). VCF-style: chr2-127106914-C-T. GRCh37 (hg19) VCF-style: chr2-127864490-C-T.
Other names: p.Thr10=; c.30G>A, p.Thr10= (NM_001320632.2, NM_001320633.2, NM_001320640.2 and 10 more transcripts).
Identifiers: ClinVar variation 158014 (VCV000158014.64), dbSNP rs35535012, ClinGen allele CA171399.

ClinVar aggregate classification (germline): Conflicting classifications of pathogenicity. Review status: criteria provided, conflicting classifications (1 of 4 stars). 8 submissions from 8 submitters: Uncertain significance (3); Benign (1); Likely benign (4). Last evaluated 2026-01-08.

Conditions:
Myopathy, centronuclear, 2 (CNM2). Also called: MYOTUBULAR MYOPATHY, AUTOSOMAL RECESSIVE. Identifiers: Orphanet 169186, MedGen CN031787, MONDO:0009709, OMIM 255200.

Allele frequency attached by ClinVar (database versions not stated): gnomAD 0.00067 and 0.00079; TOPMed 0.00068; 1000 Genomes Project 30x 0.00047; 1000 Genomes Project 0.00060; ESP Exome Variant Server 0.00100; gnomAD exomes 0.00108 and 0.00176; ExAC 0.00113.
gnomAD v4.1: 2,685 of 1,612,798 alleles (0.17%); highest among the groups gnomAD compares: South Asian, 0.35%; 12 homozygotes.

Submissions (8):

Labcorp Genetics (formerly Invitae), Labcorp
Classification: Benign for Myopathy, centronuclear, 2. Last evaluated: 2026-01-08. Review status: criteria provided, single submitter. Criteria: Invitae Variant Classification Sherloc (09022015). Collection method: clinical testing. Allele origin: germline.

Mayo Clinic Laboratories, Mayo Clinic
Classification: Likely benign. Last evaluated: 2025-07-29. Review status: criteria provided, single submitter. Criteria: ACMG Guidelines, 2015. Collection method: clinical testing. Allele origin: germline. Observed: 2 variant alleles.
Comment: BS1, BP4, BP7

Blueprint Genetics
Classification: Likely benign. Last evaluated: 2024-11-06. Review status: criteria provided, single submitter. Criteria: ACMG Guidelines, 2015. Collection method: clinical testing. Allele origin: germline.

CeGaT Center for Human Genetics Tuebingen
Classification: Likely benign. Last evaluated: 2024-10-01. Review status: criteria provided, single submitter. Criteria: CeGaT Center For Human Genetics Tuebingen Variant Classification Criteria Version 2. Collection method: clinical testing. Allele origin: germline. Affected: yes. Observed: 4 variant alleles.
Comment: BIN1: BP4, BP7

GeneDx
Classification: Likely benign. Last evaluated: 2020-11-16. Review status: criteria provided, single submitter. Criteria: GeneDx Variant Classification Process June 2021. Collection method: clinical testing. Allele origin: germline. Affected: yes.

Illumina Laboratory Services, Illumina
Classification: Uncertain significance for Myopathy, centronuclear, 2. Last evaluated: 2018-01-12. Review status: criteria provided, single submitter. Criteria: ICSL Variant Classification Criteria 13 December 2019. Collection method: clinical testing. Allele origin: germline.

Eurofins Ntd Llc (ga)
Classification: Uncertain significance. Last evaluated: 2016-08-09. Review status: criteria provided, single submitter. Criteria: EGL Classification Definitions 2015. Collection method: clinical testing. Allele origin: germline. Observed: 2 variant alleles, 2 heterozygotes.

Genetic Services Laboratory, University of Chicago
Classification: Uncertain significance for Myopathy, centronuclear, autosomal recessive. Last evaluated: 2013-03-04. Review status: criteria provided, single submitter. Criteria: ACMG Guidelines, 2007. Collection method: clinical testing. Allele origin: germline. Inheritance: Autosomal recessive inheritance.